The following is an entry in ClinVar:

NM_020680.4(SCYL1):c.895A>G (p.Lys299Glu)

Gene: SCYL1 (SCY1 like pseudokinase 1; plus strand). Cytogenetic location: 11q13.1.
Variant type: single nucleotide variant.
Coding change: c.895A>G on transcript NM_020680.4 (MANE Select); coding-DNA position 895, A replaced by G.
Protein change: p.Lys299Glu; replaces lysine 299 with glutamic acid.
Molecular consequence: missense variant.
Genome position (GRCh38, 1-based): chr11:65,530,674, A>G. VCF-style: chr11-65530674-A-G. GRCh37 (hg19) VCF-style: chr11-65298145-A-G.
Other names: c.895A>G, p.Lys299Glu (NM_001048218.2, NM_001411022.1); short protein forms K299E.
Identifiers: ClinVar variation 2380350 (VCV002380350.3), dbSNP rs201108435, ClinGen allele CA6099642.

ClinVar aggregate classification (germline): Uncertain significance. Review status: criteria provided, multiple submitters, no conflicts (2 of 4 stars). 2 submissions from 2 submitters: Uncertain significance (2). Last evaluated 2026-09-07.

Conditions:
SCYL1-related disorder. Also called: SCYL1-related condition.
Inborn genetic diseases. Identifiers: MedGen C0950123, MeSH D030342.

Allele frequency attached by ClinVar (database versions not stated): ExAC 0.00037; gnomAD 0.00044; TOPMed 0.00044; ESP Exome Variant Server 0.00057; gnomAD exomes 0.00074.
gnomAD v4.1: 1,129 of 1,613,954 alleles (0.07%); highest among the groups gnomAD compares: Non-Finnish European, 0.09%; no homozygotes.

Submissions (2):

PreventionGenetics, part of Exact Sciences
Classification: Uncertain significance for SCYL1-related condition. Last evaluated: 2026-09-07. Review status: criteria provided, single submitter. Criteria: ACMG Guidelines, 2015. Collection method: clinical testing. Allele origin: germline.
Comment: The SCYL1 c.895A>G variant is predicted to result in the amino acid substitution p.Lys299Glu. To our knowledge, this variant has not been reported in the literature. This variant is reported in 0.11% of alleles in individuals of Ashkenazi Jewish descent in gnomAD. Although we suspect that this variant may be benign, at this time, the clinical significance of this variant is uncertain due to the absence of conclusive functional and genetic evidence.

Ambry Genetics
Classification: Uncertain significance for Inborn genetic diseases. Last evaluated: 2022-08-26. Review status: criteria provided, single submitter. Criteria: Ambry Variant Classification Scheme 2023. Collection method: clinical testing. Allele origin: germline.